The following is an entry in ClinVar:

ClinVar aggregate classification (germline): Uncertain significance (1 of 4 stars; one submission).

Conditions:
Familial intrahepatic cholestasis. Identifiers: Orphanet 284385, MedGen CN296401, MONDO:0017290.

Submission:

Genomenon, Inc
Classification: Uncertain significance for Familial intrahepatic cholestasis. Last evaluated: 2026-04-14. Review status: criteria provided, single submitter. Criteria: Genomenon Sequence Variant Interpretation Standards - Updated. Collection method: curation. Allele origin: germline. Affected: yes.
Comment: ABCB11 p.Arg33Ser (c.99G>T) is a missense variant that changes the amino acid at residue 33 from Arginine to Serine. This variant has been observed in at least one proband with an ABCB11-related disorder (PMID:32808743). It has been observed in trans with a pathogenic or likely pathogenic variant (PMID:32808743). It is absent or not present at a significant frequency in gnomAD. In silico models predict that this variant is possibly or probably damaging. In conclusion, we classify ABCB11 p.Arg33Ser (c.99G>T) as a variant of uncertain significance.

Literature cited by the submitters: PubMed 32808743.

NM_003742.4(ABCB11):c.99G>T (p.Arg33Ser)

Gene: ABCB11 (ATP binding cassette subfamily B member 11; minus strand). Cytogenetic location: 2q31.1.
Variant type: single nucleotide variant.
Coding change: c.99G>T on transcript NM_003742.4 (MANE Select); coding-DNA position 99, G replaced by T.
Protein change: p.Arg33Ser; replaces arginine 33 with serine.
Molecular consequence: missense variant.
Genome position (GRCh38, 1-based): chr2:169,014,354, C>A on the plus strand (G>T on the coding strand, the complement: ABCB11 is on the minus strand). VCF-style: chr2-169014354-C-A. GRCh37 (hg19) VCF-style: chr2-169870864-C-A.
Other names: short protein forms R33S.
Identifiers: ClinVar variation 4846155 (VCV004846155.1).